The following is an entry in ClinVar:

ClinVar aggregate classification (germline): Pathogenic. Review status: criteria provided, multiple submitters, no conflicts (2 of 4 stars). 4 submissions from 4 submitters: Pathogenic (4). Last evaluated 2026-04-07.

Conditions:
Osteogenesis imperfecta type I (OI1). Also called: OI, TYPE I; OSTEOGENESIS IMPERFECTA TARDA; OSTEOGENESIS IMPERFECTA WITH BLUE SCLERAE; Osteogenesis imperfecta type 1; Lobstein's Disease; Lobstein disease. Identifiers: Orphanet 216796, Orphanet 666, MedGen C0023931, MONDO:0008146, OMIM 166200. Disease mechanism: loss of function.
Osteogenesis imperfecta, perinatal lethal (OI2). Also called: OI, TYPE II; OSTEOGENESIS IMPERFECTA CONGENITA; VROLIK TYPE OF OSTEOGENESIS IMPERFECTA; OSTEOGENESIS IMPERFECTA, TYPE II; Osteogenesis imperfecta type 2; Osteogenesis imperfecta, dominant perinatal lethal. Identifiers: Orphanet 216804, MedGen C0268358, MONDO:0008147, OMIM 166210.
Osteogenesis imperfecta with normal sclerae, dominant form (OI4). Also called: OSTEOGENESIS IMPERFECTA WITH NORMAL SCLERAE; Osteogenesis imperfecta type 4; Osteogenesis Imperfecta Type IV; OSTEOGENESIS IMPERFECTA, TYPE IV, WITH DENTINOGENESIS IMPERFECTA; Common Variable Osteogenesis Imperfecta with Normal Sclerae. Identifiers: Orphanet 216820, Orphanet 666, MedGen C0268363, MONDO:0008148, OMIM 166220.
Osteogenesis imperfecta type III (OI3). Also called: Osteogenesis imperfecta, progressively deforming with normal sclerae; OI type III; Osteogenesis imperfecta type 3; OI type 3; Progressively Deforming Osteogenesis Imperfecta. Identifiers: Orphanet 216812, Orphanet 666, MedGen C0268362, MONDO:0009804, OMIM 259420.

Submissions (4):

Dasa
Classification: Pathogenic. Last evaluated: 2026-04-07. Review status: criteria provided, single submitter. Criteria: DASA Assertion Criteria. Collection method: clinical testing. Allele origin: germline.
Comment: NM_000088.4(COL1A1):c.1668del (p.Gly557Valfs*23) is a frameshift variant in COL1A1 predicted to alter the reading frame and introduce a premature termination codon and is predicted to result in an absent or altered protein product. Loss of function is an established disease mechanism for COL1A1 (PMID: 9067755; PMID: 9016532). This variant has been recurrently observed in individuals with COL1A1-related disorders (PMID: 34394176; PMID: 12590186). Also, this variant is rare in population databases. Based on the currently available evidence, this variant is classified as pathogenic.

Labcorp Genetics (formerly Invitae), Labcorp
Classification: Pathogenic for Osteogenesis imperfecta type I. Last evaluated: 2025-12-10. Review status: criteria provided, single submitter. Criteria: Invitae Variant Classification Sherloc (09022015). Collection method: clinical testing. Allele origin: germline.
Comment: This sequence change creates a premature translational stop signal (p.Gly557Valfs*23) in the COL1A1 gene. It is expected to result in an absent or disrupted protein product. Loss-of-function variants in COL1A1 are known to be pathogenic (PMID: 7942841, 9295084, 9443882). This variant is not present in population databases (gnomAD no frequency). This premature translational stop signal has been observed in individual(s) with autosomal dominant osteogenesis imperfecta (PMID: 12590186, 34394176). ClinVar contains an entry for this variant (Variation ID: 2692298). Algorithms developed to predict the effect of sequence changes on RNA splicing suggest that this variant may disrupt the consensus splice site. For these reasons, this variant has been classified as Pathogenic.

Institute of Human Genetics, University of Goettingen
Classification: Pathogenic for Osteogenesis imperfecta type I. Last evaluated: 2024-02-06. Review status: criteria provided, single submitter. Criteria: ACMG Guidelines, 2015. Collection method: clinical testing. Allele origin: de novo. Inheritance: Sporadic. Affected: yes. Observed: 1 heterozygote.
Comment: The variant c.1668del (p.(Gly557Valfs*23)) in exon 24 of the COL1A1 gene is not found in the gnomAD database and it creates a frame shift starting at codon Gly557. The new reading frame ends in a STOP codon at position 23. Frameshift variants leading to a loss of function of COL1A1 protein are a known mechanism of disease. This variant has already been identified in individuals with OI and described as pathogenic (PMID: 12590186, 34394176, 37270749). ACMG criteria used for classification: PVS1, PS2, PM2_supp, PP4.

Juno Genomics, Hangzhou Juno Genomics, Inc
Classification: Pathogenic for Osteogenesis imperfecta type I; Osteogenesis imperfecta, perinatal lethal; Osteogenesis imperfecta type III; Osteogenesis imperfecta with normal sclerae, dominant form. Review status: criteria provided, single submitter. Criteria: ACMG Guidelines, 2015. Collection method: clinical testing. Allele origin: germline. Affected: yes.
Comment: Absent from controls (or at extremely low frequency if recessive) in Genome Aggregation Database.;Null variant in a gene where loss of function (LOF) is a known mechanism of disease.;The prevalence of the variant in affected individuals is significantly increased compared to the prevalence in controls.;Patient's phenotype or family history is highly specific for a disease with a single genetic etiology.

Literature cited by the submitters: PubMed 34394176 (cited by 3 submitters); PubMed 12590186 (cited by 3 submitters); PubMed 9067755 (cited by Dasa); PubMed 9016532 (cited by Dasa); PubMed 7942841 (cited by Labcorp Genetics (formerly Invitae), Labcorp); PubMed 9295084 (cited by Labcorp Genetics (formerly Invitae), Labcorp); PubMed 9443882 (cited by Labcorp Genetics (formerly Invitae), Labcorp); PubMed 37270749 (cited by Institute of Human Genetics, University of Goettingen).

NM_000088.4(COL1A1):c.1668del (p.Gly557fs)

Gene: COL1A1 (collagen type I alpha 1 chain; minus strand). Cytogenetic location: 17q21.33.
Variant type: Deletion.
Coding change: c.1668del on transcript NM_000088.4 (MANE Select); coding-DNA position 1668, one base deleted (T; older notation c.1668delT).
Protein change: p.Gly557fs; shifts the reading frame from glycine 557.
Molecular consequence: frameshift variant.
Genome position (GRCh38, 1-based): chr17:50,194,130, A deleted on the plus strand (T on the coding strand, the reverse complement: COL1A1 is on the minus strand). VCF-style (leftmost placement, unchanged base first): chr17-50194129-CA-C. GRCh37 (hg19) VCF-style: chr17-48271490-CA-C.
Other names: short protein forms G557fs.
Identifiers: ClinVar variation 2692298 (VCV002692298.7), dbSNP rs72648360, ClinGen allele CA291545108.